The following is an entry in ClinVar:

ClinVar aggregate classification (germline): Pathogenic (1 of 4 stars; one submission).

Conditions:
Joubert syndrome. Also called: CEREBELLOPARENCHYMAL DISORDER IV; JOUBERT-BOLTSHAUSER SYNDROME; Familial aplasia of the vermis. Identifiers: Orphanet 475, MedGen C5979921, MONDO:0018772.
Meckel-Gruber syndrome. Also called: DYSENCEPHALIA SPLANCHNOCYSTICA; GRUBER SYNDROME; Dysencephalia splachnocystica. Identifiers: Orphanet 564, MedGen C0265215, MONDO:0018921.

Submission:

Labcorp Genetics (formerly Invitae), Labcorp
Classification: Pathogenic for Joubert syndrome; Meckel-Gruber syndrome. Last evaluated: 2022-03-13. Review status: criteria provided, single submitter. Criteria: Invitae Variant Classification Sherloc (09022015). Collection method: clinical testing. Allele origin: germline.
Comment: For these reasons, this variant has been classified as Pathogenic. This variant has not been reported in the literature in individuals affected with RPGRIP1L-related conditions. This variant is not present in population databases (gnomAD no frequency). This sequence change creates a premature translational stop signal (p.Tyr638*) in the RPGRIP1L gene. It is expected to result in an absent or disrupted protein product. Loss-of-function variants in RPGRIP1L are known to be pathogenic (PMID: 17558409).

Literature cited by the submitters: PubMed 17558409.

NM_015272.5(RPGRIP1L):c.1914T>A (p.Tyr638Ter)

Gene: RPGRIP1L (RPGRIP1 like; minus strand). Cytogenetic location: 16q12.2.
Variant type: single nucleotide variant.
Coding change: c.1914T>A on transcript NM_015272.5 (MANE Select); coding-DNA position 1914, T replaced by A.
Protein change: p.Tyr638Ter; replaces tyrosine 638 with a stop codon.
Molecular consequence: nonsense.
Genome position (GRCh38, 1-based): chr16:53,652,773, A>T on the plus strand (T>A on the coding strand, the complement: RPGRIP1L is on the minus strand). VCF-style: chr16-53652773-A-T. GRCh37 (hg19) VCF-style: chr16-53686685-A-T.
Other names: c.1914T>A, p.Tyr638Ter (NM_001127897.4, NM_001308334.3, NM_001330538.2); short protein forms Y638*.
Identifiers: ClinVar variation 2198341 (VCV002198341.4), dbSNP rs1444726635, ClinGen allele CA395917048.
Genomic context (GRCh38, chr16:53,652,773, plus strand): 5'-AGTGAAGTTATATTCGGGATGAAGGCCTCGCACTACGGGAGTTGTCTGTAGTTCAAAATC[A>T]TAGAAAGCATAGGTACAGAAAGTGACAGGCTCTTTATCTCCAGATGCCTGTAAAACTTCA-3'